The following is an entry in ClinVar:

NM_015161.3(ARL6IP1):c.408+4C>G

Gene: ARL6IP1 (ARL6 interacting reticulophagy regulator 1; minus strand). Cytogenetic location: 16p12.3.
Variant type: single nucleotide variant.
Coding change: c.408+4C>G on transcript NM_015161.3 (MANE Select); 4 bases into the intron after coding-DNA position 408, C replaced by G.
Molecular consequence: intron variant.
Genome position (GRCh38, 1-based): chr16:18,795,460, G>C on the plus strand (C>G on the coding strand, the complement: ARL6IP1 is on the minus strand). VCF-style: chr16-18795460-G-C. GRCh37 (hg19) VCF-style: chr16-18806782-G-C.
Other names: c.321+4C>G (NM_001313858.1).
Identifiers: ClinVar variation 657883 (VCV000657883.6), dbSNP rs1596945553, ClinGen allele CA915946275.

ClinVar aggregate classification (germline): Uncertain significance (1 of 4 stars; one submission).

Conditions:
Hereditary spastic paraplegia 61. Also called: Spastic paraplegia 61, autosomal recessive. Identifiers: Orphanet 401780, MedGen C3810294, MONDO:0014304, OMIM 615685.

Submission:

Labcorp Genetics (formerly Invitae), Labcorp
Classification: Uncertain significance for Hereditary spastic paraplegia 61. Last evaluated: 2018-10-23. Review status: criteria provided, single submitter. Criteria: Invitae Variant Classification Sherloc (09022015). Collection method: clinical testing. Allele origin: germline.
Comment: This sequence change falls in intron 4 of the ARL6IP1 gene. It does not directly change the encoded amino acid sequence of the ARL6IP1 protein, but it affects a nucleotide within the consensus splice site of the intron. In summary, the available evidence is currently insufficient to determine the role of this variant in disease. Therefore, it has been classified as a Variant of Uncertain Significance. Nucleotide substitutions within the consensus splice site are a relatively common cause of aberrant splicing (PMID: 17576681, 9536098). Algorithms developed to predict the effect of sequence changes on RNA splicing suggest that this variant may disrupt the consensus splice site, but this prediction has not been confirmed by published transcriptional studies. This variant has not been reported in the literature in individuals with ARL6IP1-related disease. This variant is not present in population databases (ExAC no frequency).

Literature cited by the submitters: PubMed 17576681; PubMed 9536098.